The following is an entry in ClinVar:

ClinVar aggregate classification (germline): Conflicting classifications of pathogenicity. Review status: criteria provided, conflicting classifications (1 of 4 stars). 8 submissions from 8 submitters: Uncertain significance (1); Benign (2); Likely benign (3). 2 of the submissions do not count toward it. Last evaluated 2026-03-01.

Conditions:
Retinal dystrophy. Also called: Inherited retinal dystrophy. Identifiers: Orphanet 71862, MedGen C0854723, MeSH D058499, MONDO:0019118, HP:0000556.
Retinitis pigmentosa (RP). Identifiers: Orphanet 791, MedGen C0035334, MeSH D012174, MONDO:0019200, OMIM 268000. Inheritance: Autosomal dominant, autosomal recessive and X linked inheritance.

Allele frequency attached by ClinVar (database versions not stated): 1000 Genomes Project 0.00020; 1000 Genomes Project 30x 0.00031; gnomAD 0.00092 and 0.00096; gnomAD exomes 0.00092 and 0.00179; ExAC 0.00098; TOPMed 0.00106; ESP Exome Variant Server 0.00131.
gnomAD v4.1: 2,706 of 1,613,276 alleles (0.17%); highest among the groups gnomAD compares: Non-Finnish European, 0.21%; 5 homozygotes.

Submissions (8):

CeGaT Center for Human Genetics Tuebingen
Classification: Likely benign. Last evaluated: 2026-03-01. Review status: criteria provided, single submitter. Criteria: CeGaT Center For Human Genetics Tuebingen Variant Classification Criteria Version 2. Collection method: clinical testing. Allele origin: germline. Affected: yes. Observed: 5 variant alleles.
Comment: PRPF8: BP4, BP7

Labcorp Genetics (formerly Invitae), Labcorp
Classification: Benign. Last evaluated: 2025-11-25. Review status: criteria provided, single submitter. Criteria: Invitae Variant Classification Sherloc (09022015). Collection method: clinical testing. Allele origin: germline.

Blueprint Genetics
Classification: Likely benign. Last evaluated: 2024-10-24. Review status: criteria provided, single submitter. Criteria: ACMG Guidelines, 2015. Collection method: clinical testing. Allele origin: germline.

Dept Of Ophthalmology, Nagoya University
Classification: Benign for Retinal dystrophy. Last evaluated: 2023-10-01. Review status: criteria provided, single submitter. Criteria: Submitter's publication. Collection method: research. Allele origin: germline. Affected: yes.

Illumina Laboratory Services, Illumina
Classification: Likely benign for Retinitis pigmentosa. Last evaluated: 2018-01-13. Review status: criteria provided, single submitter. Criteria: ICSL Variant Classification Criteria 13 December 2019. Collection method: clinical testing. Allele origin: germline.
Comment: This variant was observed in the ICSL laboratory as part of a predisposition screen in an ostensibly healthy population. It had not been previously curated by ICSL or reported in the Human Gene Mutation Database (HGMD: prior to June 1st, 2018), and was therefore a candidate for classification through an automated scoring system. Utilizing variant allele frequency, disease prevalence and penetrance estimates, and inheritance mode, an automated score was calculated to assess if this variant is too frequent to cause the disease. Based on the score and internal cut-off values, a variant classified as likely benign is not then subjected to further curation. The score for this variant resulted in a classification of likely benign for this disease.

Eurofins Ntd Llc (ga)
Classification: Uncertain significance. Last evaluated: 2014-11-20. Review status: criteria provided, single submitter. Criteria: EGL Classification Definitions 2015. Collection method: clinical testing. Allele origin: germline. Observed: 1 variant allele, 1 heterozygote.

Clinical Genetics DNA and cytogenetics Diagnostics Lab, Erasmus MC, Erasmus Medical Center
Classification: Likely benign. Review status: no assertion criteria provided. Collection method: clinical testing. Allele origin: germline. Affected: yes. Study: VKGL Data-share Consensus. Not counted in ClinVar's aggregate classification.

Clinical Genetics, Academic Medical Center
Classification: Benign. Review status: no assertion criteria provided. Collection method: clinical testing. Allele origin: germline. Affected: yes. Study: VKGL Data-share Consensus. Not counted in ClinVar's aggregate classification.

NM_006445.4(PRPF8):c.5352C>T (p.Asn1784=)

Gene: PRPF8 (pre-mRNA processing factor 8; minus strand). Cytogenetic location: 17p13.3.
Variant type: single nucleotide variant.
Coding change: c.5352C>T on transcript NM_006445.4 (MANE Select); coding-DNA position 5352, C replaced by T.
Protein change: p.Asn1784=; no amino-acid change (asparagine 1784 retained).
Molecular consequence: synonymous variant.
Genome position (GRCh38, 1-based): chr17:1,658,550, G>A on the plus strand (C>T on the coding strand, the complement: PRPF8 is on the minus strand). VCF-style: chr17-1658550-G-A. GRCh37 (hg19) VCF-style: chr17-1561844-G-A.
Identifiers: ClinVar variation 196868 (VCV000196868.45), dbSNP rs141456140, ClinGen allele CA244649.
Genomic context (GRCh38, chr17:1,658,550, plus strand): 5'-AGAGTCCCGCACCTATACACTGCTGCTAACACTCACCTTGTGAATAGTCACTCTGTAGAC[G>A]TTGGTGTCATCCACAAACCAGATAATCTGGTTGGAGAAGAGCTCACCATAGTTCTGAGAA-3'
Protein context (NP_006436.3, residues 1774-1794): NQIIWFVDDT[Asn1784=]VYRVTIHKTF